The following is an entry in ClinVar:

ClinVar aggregate classification (germline): Uncertain significance (1 of 4 stars; one submission).

Allele frequency attached by ClinVar (database versions not stated): ExAC 0.00001; TOPMed 0.00002; gnomAD 0.00005.
gnomAD v4.1: 12 of 1,210,098 alleles (0.00099%); highest among the groups gnomAD compares: Admixed American, 0.0044%; no homozygotes.

Submission:

Women's Health and Genetics/Laboratory Corporation of America, LabCorp
Classification: Uncertain significance. Last evaluated: 2023-06-29. Review status: criteria provided, single submitter. Criteria: LabCorp Variant Classification Summary - May 2015. Collection method: clinical testing. Allele origin: germline.
Comment: Variant summary: KLHL15 c.970A>G (p.Ile324Val) results in a conservative amino acid change in the encoded protein sequence. Three of five in-silico tools predict a benign effect of the variant on protein function. The variant allele was found at a frequency of 1.1e-05 in 183340 control chromosomes. The available data on variant occurrences in the general population are insufficient to allow any conclusion about variant significance. To our knowledge, no occurrence of c.970A>G in individuals affected with KLHL15-related conditions and no experimental evidence demonstrating its impact on protein function have been reported. No submitters have cited clinical-significance assessments for this variant to ClinVar after 2014. Based on the evidence outlined above, the variant was classified as uncertain significance.

NM_030624.3(KLHL15):c.970A>G (p.Ile324Val)

Gene: KLHL15 (kelch like family member 15; minus strand). Cytogenetic location: Xp22.11.
Variant type: single nucleotide variant.
Coding change: c.970A>G on transcript NM_030624.3 (MANE Select); coding-DNA position 970, A replaced by G.
Protein change: p.Ile324Val; replaces isoleucine 324 with valine.
Molecular consequence: missense variant.
Genome position (GRCh38, 1-based): chrX:23,988,766, T>C on the plus strand (A>G on the coding strand, the complement: KLHL15 is on the minus strand). VCF-style: chrX-23988766-T-C. GRCh37 (hg19) VCF-style: chrX-24006883-T-C.
Other names: short protein forms I324V.
Identifiers: ClinVar variation 2573623 (VCV002573623.1), dbSNP rs772671945, ClinGen allele CA10370526.
Genomic context (GRCh38, chrX:23,988,766, plus strand): 5'-GGAATTCACCATCCGGGCCCAGCTCTTCCCCGCCTAACAGGAACACAAAATTATTGACGA[T>C]AGCAAGGCAGTCAGGTCGCAGAGGTACTTGTGGGCCTTCTAGCTCCCACCAGACTCTTGG-3'
Protein context (NP_085127.2, residues 314-334): QVPLRPDCLA[Ile324Val]VNNFVFLLGG